The following is an entry in ClinVar:

NM_015378.4(VPS13D):c.13098C>G (p.Ser4366Arg)

Gene: VPS13D (vacuolar protein sorting 13 homolog D; plus strand). Cytogenetic location: 1p36.21.
Variant type: single nucleotide variant.
Coding change: c.13098C>G on transcript NM_015378.4 (MANE Select); coding-DNA position 13098, C replaced by G.
Protein change: p.Ser4366Arg; replaces serine 4366 with arginine.
Molecular consequence: missense variant.
Genome position (GRCh38, 1-based): chr1:12,508,955, C>G. VCF-style: chr1-12508955-C-G. GRCh37 (hg19) VCF-style: chr1-12569009-C-G.
Other names: c.13023C>G, p.Ser4341Arg (NM_018156.4); short protein forms S4341R, S4366R.
Identifiers: ClinVar variation 1352334 (VCV001352334.6), dbSNP rs368242467, ClinGen allele CA604429.

ClinVar aggregate classification (germline): Uncertain significance (1 of 4 stars; one submission).

Allele frequency attached by ClinVar (database versions not stated): gnomAD exomes below 0.00001; TOPMed below 0.00001; ExAC 0.00001; gnomAD 0.00001; ESP Exome Variant Server 0.00008.
gnomAD v4.1: 3 of 1,614,078 alleles (0.00019%); highest among the groups gnomAD compares: Non-Finnish European, 0.00025%; no homozygotes.

Submission:

Labcorp Genetics (formerly Invitae), Labcorp
Classification: Uncertain significance. Last evaluated: 2022-10-17. Review status: criteria provided, single submitter. Criteria: Invitae Variant Classification Sherloc (09022015). Collection method: clinical testing. Allele origin: germline.
Comment: In summary, the available evidence is currently insufficient to determine the role of this variant in disease. Therefore, it has been classified as a Variant of Uncertain Significance. Advanced modeling of protein sequence and biophysical properties (such as structural, functional, and spatial information, amino acid conservation, physicochemical variation, residue mobility, and thermodynamic stability) performed at Invitae indicates that this missense variant is expected to disrupt VPS13D protein function. ClinVar contains an entry for this variant (Variation ID: 1352334). This variant has not been reported in the literature in individuals affected with VPS13D-related conditions. This variant is present in population databases (rs368242467, gnomAD 0.0009%). This sequence change replaces serine with arginine at codon 4366 of the VPS13D protein (p.Ser4366Arg). The serine residue is highly conserved and there is a moderate physicochemical difference between serine and arginine.